The following is an entry in ClinVar:

ClinVar aggregate classification (germline): Uncertain significance (1 of 4 stars; one submission).

Conditions:
Glycogen storage disease IXd (GSD9D). Also called: Muscle Phosphorylase Kinase Deficiency; GSD IXd. Identifiers: Orphanet 715, MedGen C1845151, MONDO:0010362, OMIM 300559.

Submission:

Labcorp Genetics (formerly Invitae), Labcorp
Classification: Uncertain significance for Glycogen storage disease IXd. Last evaluated: 2023-08-30. Review status: criteria provided, single submitter. Criteria: Invitae Variant Classification Sherloc (09022015). Collection method: clinical testing. Allele origin: germline.
Comment: This variant has not been reported in the literature in individuals affected with PHKA1-related conditions. In summary, the available evidence is currently insufficient to determine the role of this variant in disease. Therefore, it has been classified as a Variant of Uncertain Significance. Advanced modeling of protein sequence and biophysical properties (such as structural, functional, and spatial information, amino acid conservation, physicochemical variation, residue mobility, and thermodynamic stability) performed at Invitae indicates that this missense variant is not expected to disrupt PHKA1 protein function. ClinVar contains an entry for this variant (Variation ID: 1719707). This variant is not present in population databases (gnomAD no frequency). This sequence change replaces proline, which is neutral and non-polar, with leucine, which is neutral and non-polar, at codon 367 of the PHKA1 protein (p.Pro367Leu).

NM_002637.4(PHKA1):c.1100C>T (p.Pro367Leu)

Gene: PHKA1 (phosphorylase kinase regulatory subunit alpha 1; minus strand). Cytogenetic location: Xq13.1.
Variant type: single nucleotide variant.
Coding change: c.1100C>T on transcript NM_002637.4 (MANE Select); coding-DNA position 1100, C replaced by T.
Protein change: p.Pro367Leu; replaces proline 367 with leucine.
Molecular consequence: missense variant.
Genome position (GRCh38, 1-based): chrX:72,653,472, G>A on the plus strand (C>T on the coding strand, the complement: PHKA1 is on the minus strand). VCF-style: chrX-72653472-G-A. GRCh37 (hg19) VCF-style: chrX-71873322-G-A.
Other names: c.1100C>T, p.Pro367Leu (NM_001122670.2, NM_001172436.2); short protein forms P367L.
Identifiers: ClinVar variation 1719707 (VCV001719707.6), dbSNP rs2522612800, ClinGen allele CA413593337.